The following is an entry in ClinVar:

NM_002878.4(RAD51D):c.377A>G (p.His126Arg)

Genes: RAD51L3-RFFL (RAD51L3-RFFL readthrough; minus strand), RAD51D (RAD51 paralog D; minus strand). Cytogenetic location: 17q12.
Variant type: single nucleotide variant.
Coding change: c.377A>G on transcript NM_002878.4 (MANE Select); coding-DNA position 377, A replaced by G.
Protein change: p.His126Arg; replaces histidine 126 with arginine.
Molecular consequence: missense variant. On other transcripts: non-coding transcript variant (1), intron variant (1).
Genome position (GRCh38, 1-based): chr17:35,107,091, T>C on the plus strand (A>G on the coding strand, the complement: RAD51D is on the minus strand). VCF-style: chr17-35107091-T-C. GRCh37 (hg19) VCF-style: chr17-33434110-T-C.
Other names: c.437A>G, p.His146Arg (NM_001142571.2); c.145-610A>G (NM_133629.3); short protein forms H126R, H146R.
Identifiers: ClinVar variation 641939 (VCV000641939.11), dbSNP rs144603589, ClinGen allele CA8499485.

ClinVar aggregate classification (germline): Uncertain significance. Review status: criteria provided, multiple submitters, no conflicts (2 of 4 stars). 2 submissions from 2 submitters: Uncertain significance (2). Last evaluated 2025-12-09.

Conditions:
Hereditary cancer-predisposing syndrome. Also called: Neoplastic Syndromes, Hereditary; Tumor predisposition; Hereditary neoplastic syndrome; Hereditary Cancer Syndrome. Identifiers: Orphanet 140162, MedGen C0027672, MeSH D009386, MONDO:0015356.
Breast-ovarian cancer, familial, susceptibility to, 4. Identifiers: Orphanet 145, MedGen C3280345, MONDO:0013669, OMIM 614291.

Allele frequency attached by ClinVar (database versions not stated): gnomAD exomes below 0.00001.
gnomAD v4.1: 3 of 1,614,076 alleles (0.00019%); highest among the groups gnomAD compares: South Asian, 0.0011%; no homozygotes.

Submissions (2):

Labcorp Genetics (formerly Invitae), Labcorp
Classification: Uncertain significance for Breast-ovarian cancer, familial, susceptibility to, 4. Last evaluated: 2025-12-09. Review status: criteria provided, single submitter. Criteria: Invitae Variant Classification Sherloc (09022015). Collection method: clinical testing. Allele origin: germline.
Comment: This sequence change replaces histidine, which is basic and polar, with arginine, which is basic and polar, at codon 126 of the RAD51D protein (p.His126Arg). This variant is not present in population databases (gnomAD no frequency). This variant has not been reported in the literature in individuals affected with RAD51D-related conditions. ClinVar contains an entry for this variant (Variation ID: 641939). Invitae Evidence Modeling of protein sequence and biophysical properties (such as structural, functional, and spatial information, amino acid conservation, physicochemical variation, residue mobility, and thermodynamic stability) indicates that this missense variant is not expected to disrupt RAD51D protein function with a negative predictive value of 80%. In summary, the available evidence is currently insufficient to determine the role of this variant in disease. Therefore, it has been classified as a Variant of Uncertain Significance.

Ambry Genetics
Classification: Uncertain significance for Hereditary cancer-predisposing syndrome. Last evaluated: 2024-05-25. Review status: criteria provided, single submitter. Criteria: Ambry Variant Classification Scheme 2023. Collection method: clinical testing. Allele origin: germline.
Comment: The p.H126R variant (also known as c.377A>G), located in coding exon 5 of the RAD51D gene, results from an A to G substitution at nucleotide position 377. The histidine at codon 126 is replaced by arginine, an amino acid with highly similar properties. This amino acid position is well conserved in available vertebrate species. In addition, the in silico prediction for this alteration is inconclusive. Since supporting evidence is limited at this time, the clinical significance of this alteration remains unclear.